The following is an entry in ClinVar:

ClinVar aggregate classification (germline): Uncertain significance (1 of 4 stars; one submission).

Submission:

GeneDx
Classification: Uncertain significance. Last evaluated: 2024-01-11. Review status: criteria provided, single submitter. Criteria: GeneDx Variant Classification Process June 2021. Collection method: clinical testing. Allele origin: germline. Affected: yes.
Comment: Not observed at significant frequency in large population cohorts (gnomAD); In silico analysis supports that this missense variant has a deleterious effect on protein structure/function; Has not been previously published as pathogenic or benign to our knowledge

NM_002382.5(MAX):c.350C>G (p.Ser117Cys)

Gene: MAX (MYC associated factor X; minus strand). Cytogenetic location: 14q23.3.
Variant type: single nucleotide variant.
Coding change: c.350C>G on transcript NM_002382.5 (MANE Select); coding-DNA position 350, C replaced by G.
Protein change: p.Ser117Cys; replaces serine 117 with cysteine.
Molecular consequence: missense variant. On other transcripts: 3 prime UTR variant (12), non-coding transcript variant (7), intron variant (2).
Genome position (GRCh38, 1-based): chr14:65,076,609, G>C on the plus strand (C>G on the coding strand, the complement: MAX is on the minus strand). VCF-style: chr14-65076609-G-C. GRCh37 (hg19) VCF-style: chr14-65543327-G-C.
Other names: c.161C>G, p.Ser54Cys (NM_001320415.2, NM_001407105.1, NM_001407106.1 and 1 more transcripts); c.350C>G, p.Ser117Cys (NM_001407094.1); c.323C>G, p.Ser108Cys (NM_001407095.1, NM_145112.3); c.*123C>G (NM_001407096.1, NM_001407099.1, NM_001407102.1 and 2 more transcripts); c.*139C>G (NM_001407097.1, NM_001407100.1, NM_001407101.1 and 4 more transcripts); c.242C>G, p.Ser81Cys (NM_001407098.1); c.149C>G, p.Ser50Cys (NM_001407111.1, NM_001407112.1); c.144+17099C>G (NM_001271069.2); and 1 more; short protein forms S108C, S117C, S50C, S54C, S81C.
Identifiers: ClinVar variation 3367434 (VCV003367434.1).